The following is an entry in ClinVar:

ClinVar aggregate classification (germline): Uncertain significance (1 of 4 stars; one submission).

Allele frequency attached by ClinVar (database versions not stated): TOPMed 0.00001; ESP Exome Variant Server 0.00008; gnomAD 0.00001.
gnomAD v4.1: 15 of 1,613,932 alleles (0.00093%); highest among the groups gnomAD compares: East Asian, 0.013%; no homozygotes.

Submission:

Labcorp Genetics (formerly Invitae), Labcorp
Classification: Uncertain significance. Last evaluated: 2022-03-16. Review status: criteria provided, single submitter. Criteria: Invitae Variant Classification Sherloc (09022015). Collection method: clinical testing. Allele origin: germline.
Comment: This sequence change affects codon 1449 of the ITGB4 mRNA. It is a 'silent' change, meaning that it does not change the encoded amino acid sequence of the ITGB4 protein. It affects a nucleotide within the consensus splice site. This variant is present in population databases (rs143636541, gnomAD 0.002%). This variant has not been reported in the literature in individuals affected with ITGB4-related conditions. Algorithms developed to predict the effect of sequence changes on RNA splicing suggest that this variant is not likely to affect RNA splicing. In summary, the available evidence is currently insufficient to determine the role of this variant in disease. Therefore, it has been classified as a Variant of Uncertain Significance.

NM_000213.5(ITGB4):c.4557C>T (p.His1519=)

Genes: GALK1 (galactokinase 1; minus strand), ITGB4 (integrin subunit beta 4; plus strand). Cytogenetic location: 17q25.1.
Variant type: single nucleotide variant.
Coding change: c.4557C>T on transcript NM_000213.5 (MANE Select); coding-DNA position 4557, C replaced by T.
Protein change: p.His1519=; no amino-acid change (histidine 1519 retained).
Molecular consequence: synonymous variant. On other transcripts: intron variant (1).
Genome position (GRCh38, 1-based): chr17:75,754,814, C>T. VCF-style: chr17-75754814-C-T. GRCh37 (hg19) VCF-style: chr17-73750895-C-T.
Other names: c.4347C>T, p.His1449= (NM_001005619.2, NM_001005731.3, NM_001321123.2 and 1 more transcripts); c.*23-3077G>A (NM_001381985.1).
Identifiers: ClinVar variation 1929102 (VCV001929102.2), dbSNP rs143636541, ClinGen allele CA8770141.